The following is an entry in ClinVar:

ClinVar aggregate classification (germline): Uncertain significance (1 of 4 stars; one submission).

Submission:

Labcorp Genetics (formerly Invitae), Labcorp
Classification: Uncertain significance. Last evaluated: 2025-04-07. Review status: criteria provided, single submitter. Criteria: Invitae Variant Classification Sherloc (09022015). Collection method: clinical testing. Allele origin: germline.
Comment: This sequence change replaces tyrosine, which is neutral and polar, with asparagine, which is neutral and polar, at codon 191 of the PSMG2 protein (p.Tyr191Asn). This variant is not present in population databases (gnomAD no frequency). This variant has not been reported in the literature in individuals affected with PSMG2-related conditions. ClinVar contains an entry for this variant (Variation ID: 1023149). An algorithm developed to predict the effect of missense changes on protein structure and function (PolyPhen-2) suggests that this variant is likely to be disruptive. In summary, the available evidence is currently insufficient to determine the role of this variant in disease. Therefore, it has been classified as a Variant of Uncertain Significance.

NM_020232.5(PSMG2):c.571T>A (p.Tyr191Asn)

Gene: PSMG2 (proteasome assembly chaperone 2; plus strand). Cytogenetic location: 18p11.21.
Variant type: single nucleotide variant.
Coding change: c.571T>A on transcript NM_020232.5 (MANE Select); coding-DNA position 571, T replaced by A.
Protein change: p.Tyr191Asn; replaces tyrosine 191 with asparagine.
Molecular consequence: missense variant.
Genome position (GRCh38, 1-based): chr18:12,720,673, T>A. VCF-style: chr18-12720673-T-A. GRCh37 (hg19) VCF-style: chr18-12720672-T-A.
Other names: c.478T>A, p.Tyr160Asn (NM_147163.2); short protein forms Y160N, Y191N.
Identifiers: ClinVar variation 1023149 (VCV001023149.8), dbSNP rs2040422570, ClinGen allele CA401968967.